The following is an entry in ClinVar:

ClinVar aggregate classification (germline): Uncertain significance (1 of 4 stars; one submission).

Conditions:
Long QT syndrome (LQTS). Identifiers: MedGen C0023976, MeSH D008133, MONDO:0002442. Disease mechanism: loss of function. Inheritance: Various modes of inheritance.

Submission:

Labcorp Genetics (formerly Invitae), Labcorp
Classification: Uncertain significance for Long QT syndrome. Last evaluated: 2020-01-13. Review status: criteria provided, single submitter. Criteria: Invitae Variant Classification Sherloc (09022015). Collection method: clinical testing. Allele origin: germline.
Comment: In summary, the available evidence is currently insufficient to determine the role of this variant in disease. Therefore, it has been classified as a Variant of Uncertain Significance. Algorithms developed to predict the effect of missense changes on protein structure and function are either unavailable or do not agree on the potential impact of this missense change (SIFT: "Deleterious"; PolyPhen-2: "Probably Damaging"; Align-GVGD: "Class C15"). This variant has not been reported in the literature in individuals with ANK2-related conditions. This variant is not present in population databases (ExAC no frequency). This sequence change replaces serine with cysteine at codon 3823 of the ANK2 protein (p.Ser3823Cys). The serine residue is moderately conserved and there is a moderate physicochemical difference between serine and cysteine.

NM_001148.6(ANK2):c.11468C>G (p.Ser3823Cys)

Gene: ANK2 (ankyrin 2; plus strand). Cytogenetic location: 4q26.
Variant type: single nucleotide variant.
Coding change: c.11468C>G on transcript NM_001148.6 (MANE Select); coding-DNA position 11468, C replaced by G.
Protein change: p.Ser3823Cys; replaces serine 3823 with cysteine.
Molecular consequence: missense variant.
Genome position (GRCh38, 1-based): chr4:113,369,663, C>G. VCF-style: chr4-113369663-C-G. GRCh37 (hg19) VCF-style: chr4-114290819-C-G.
Other names: c.5186C>G, p.Ser1729Cys (NM_001127493.3); c.5225C>G, p.Ser1742Cys (NM_001354225.2); c.5114C>G, p.Ser1705Cys (NM_001354228.2, NM_001354258.2); c.5192C>G, p.Ser1731Cys (NM_001354230.2); c.5255C>G, p.Ser1752Cys (NM_001354231.2, NM_001354242.2); c.5249C>G, p.Ser1750Cys (NM_001354232.2); c.5210C>G, p.Ser1737Cys (NM_001354235.2, NM_001354246.2, NM_001354265.2); c.5111C>G, p.Ser1704Cys (NM_001354236.2); and 35 more; short protein forms S1577C, S1610C, S1638C, S1643C, S1651C, S1660C, S1663C, S1665C.
Identifiers: ClinVar variation 1019372 (VCV001019372.5), dbSNP rs776355038, ClinGen allele CA357942780.